The following is an entry in ClinVar:

ClinVar aggregate classification (germline): Uncertain significance (1 of 4 stars; one submission).

Submission:

GeneDx
Classification: Uncertain significance. Last evaluated: 2024-10-14. Review status: criteria provided, single submitter. Criteria: GeneDx Variant Classification Process June 2021. Collection method: clinical testing. Allele origin: germline. Affected: yes.
Comment: Not observed at significant frequency in large population cohorts (gnomAD); In silico analysis supports that this missense variant has a deleterious effect on protein structure/function; Has not been previously published as pathogenic or benign to our knowledge

NM_001291415.2(KDM6A):c.1130A>G (p.Asn377Ser)

Gene: KDM6A (lysine demethylase 6A; plus strand). Cytogenetic location: Xp11.3.
Variant type: single nucleotide variant.
Coding change: c.1130A>G on transcript NM_001291415.2 (MANE Select); coding-DNA position 1130, A replaced by G.
Protein change: p.Asn377Ser; replaces asparagine 377 with serine.
Molecular consequence: missense variant. On other transcripts: non-coding transcript variant (1).
Genome position (GRCh38, 1-based): chrX:45,059,402, A>G. VCF-style: chrX-45059402-A-G. GRCh37 (hg19) VCF-style: chrX-44918647-A-G.
Other names: c.1130A>G, p.Asn377Ser (NM_001291416.2, NM_001291417.2, NM_001291418.2 and 9 more transcripts); c.377A>G, p.Asn126Ser (NM_001291421.2); short protein forms N126S, N377S.
Identifiers: ClinVar variation 3781107 (VCV003781107.1).